The following is an entry in ClinVar:

NM_000554.6(CRX):c.472G>A (p.Ala158Thr)

Gene: CRX (cone-rod homeobox; plus strand). Cytogenetic location: 19q13.33.
Variant type: single nucleotide variant.
Coding change: c.472G>A on transcript NM_000554.6 (MANE Select); coding-DNA position 472, G replaced by A.
Protein change: p.Ala158Thr; replaces alanine 158 with threonine.
Molecular consequence: missense variant.
Genome position (GRCh38, 1-based): chr19:47,839,539, G>A. VCF-style: chr19-47839539-G-A. GRCh37 (hg19) VCF-style: chr19-48342796-G-A.
Other names: short protein forms A158T.
Identifiers: ClinVar variation 99608 (VCV000099608.34), dbSNP rs61748445, ClinGen allele CA202718.

ClinVar aggregate classification (germline): Benign/Likely benign. Review status: criteria provided, multiple submitters, no conflicts (2 of 4 stars). 12 submissions from 10 submitters: Benign (7); Likely benign (4). 1 of the submissions does not count toward it. Last evaluated 2026-02-02.

Conditions:
Retinal dystrophy. Also called: Inherited retinal dystrophy. Identifiers: Orphanet 71862, MedGen C0854723, MeSH D058499, MONDO:0019118, HP:0000556.
Cone-rod dystrophy 2 (CORD2). Also called: CONE-ROD RETINAL DYSTROPHY; Cone-rod retinal dystrophy 2. Identifiers: Orphanet 1872, MedGen C3489532, MONDO:0007362, OMIM 120970.
Retinitis pigmentosa (RP). Identifiers: Orphanet 791, MedGen C0035334, MeSH D012174, MONDO:0019200, OMIM 268000. Inheritance: Autosomal dominant, autosomal recessive and X linked inheritance.
Leber congenital amaurosis 7 (LCA7). Identifiers: Orphanet 65, MedGen C3151192, MONDO:0013449, OMIM 613829.

Allele frequency attached by ClinVar (database versions not stated): gnomAD exomes 0.00263 and 0.00689; ExAC 0.00822; gnomAD 0.02415 and 0.02598; 1000 Genomes Project 0.02496; 1000 Genomes Project 30x 0.02608; TOPMed 0.02802; ESP Exome Variant Server 0.03114.
gnomAD v4.1: 7,669 of 1,613,370 alleles (0.48%); highest among the groups gnomAD compares: African/African-American, 8.6%; 295 homozygotes.

Submissions (12):

Labcorp Genetics (formerly Invitae), Labcorp
Classification: Benign for Cone-rod dystrophy 2; Leber congenital amaurosis 7. Last evaluated: 2026-02-02. Review status: criteria provided, single submitter. Criteria: Invitae Variant Classification Sherloc (09022015). Collection method: clinical testing. Allele origin: germline.

ARUP Laboratories, Molecular Genetics and Genomics, ARUP Laboratories
Classification: Benign. Last evaluated: 2022-09-13. Review status: criteria provided, single submitter. Criteria: ARUP Molecular Germline Variant Investigation Process 2021. Collection method: clinical testing. Allele origin: germline.

Fulgent Genetics
Classification: Benign for Cone-rod dystrophy 2; Retinitis pigmentosa; Leber congenital amaurosis 7. Last evaluated: 2021-08-09. Review status: criteria provided, single submitter. Criteria: ACMG Guidelines, 2015. Collection method: clinical testing. Allele origin: unknown.

GeneDx
Classification: Benign. Last evaluated: 2019-07-22. Review status: criteria provided, single submitter. Criteria: GeneDx Variant Classification Process June 2021. Collection method: clinical testing. Allele origin: germline. Affected: yes.
Comment: This variant is associated with the following publications: (PMID: 10766140, 20981092)

Illumina Laboratory Services, Illumina
Classification: Likely benign for Leber congenital amaurosis 7. Last evaluated: 2017-04-27. Review status: criteria provided, single submitter. Criteria: ICSL Variant Classification Criteria 13 December 2019. Collection method: clinical testing. Allele origin: germline.
Comment: This variant was observed as part of a predisposition screen in an ostensibly healthy population. A literature search was performed for the gene, cDNA change, and amino acid change (where applicable). Publications were found based on this search. The evidence from the literature, in combination with allele frequency data from public databases where available, was sufficient to determine this variant is unlikely to cause disease. Therefore, this variant is classified as likely benign.

Illumina Laboratory Services, Illumina
Classification: Likely benign for Retinitis pigmentosa. Last evaluated: 2017-04-27. Review status: criteria provided, single submitter. Criteria: ICSL Variant Classification Criteria 13 December 2019. Collection method: clinical testing. Allele origin: germline.
Comment: This variant was observed as part of a predisposition screen in an ostensibly healthy population. A literature search was performed for the gene, cDNA change, and amino acid change (where applicable). No publications were found based on this search. Allele frequency data from public databases allowed determination this variant is unlikely to cause disease. Therefore, this variant is classified as likely benign.

Illumina Laboratory Services, Illumina
Classification: Likely benign for Cone-rod dystrophy 2. Last evaluated: 2017-04-27. Review status: criteria provided, single submitter. Criteria: ICSL Variant Classification Criteria 13 December 2019. Collection method: clinical testing. Allele origin: germline.
Comment: the same text as in the submission from Illumina Laboratory Services, Illumina above.

Eurofins Ntd Llc (ga)
Classification: Benign. Last evaluated: 2014-09-15. Review status: criteria provided, single submitter. Criteria: EGL Classification Definitions 2015. Collection method: clinical testing. Allele origin: germline. Observed: 1 variant allele, 1 heterozygote.

Institute of Human Genetics, Univ. Regensburg, Univ. Regensburg
Classification: Benign for Retinal dystrophy. Last evaluated: 2012-01-01. Review status: criteria provided, single submitter. Criteria: ACMG Guidelines, 2015. Collection method: clinical testing. Allele origin: germline. Affected: yes.

Breakthrough Genomics
Classification: Likely benign. Review status: criteria provided, single submitter. Criteria: ACMG Guidelines, 2015. Collection method: not provided. Allele origin: germline. Inheritance: Autosomal dominant inheritance. Affected: yes.

PreventionGenetics, part of Exact Sciences
Classification: Benign. Review status: criteria provided, single submitter. Criteria: ACMG Guidelines, 2015. Collection method: clinical testing. Allele origin: germline.

Retina International
No classification provided. Review status: no classification provided. Collection method: not provided. Allele origin: unknown. Not counted in ClinVar's aggregate classification.

Literature cited by the submitters: PubMed 11748859 (cited by Illumina Laboratory Services, Illumina); PubMed 10766140 (cited by Illumina Laboratory Services, Illumina and Institute of Human Genetics, Univ. Regensburg, Univ. Regensburg); PubMed 9427255 (cited by Illumina Laboratory Services, Illumina); PubMed 22960069 (cited by Illumina Laboratory Services, Illumina); PubMed 2098109 (cited by Institute of Human Genetics, Univ. Regensburg, Univ. Regensburg).